The following is an entry in ClinVar:

ClinVar aggregate classification (germline): Benign/Likely benign. Review status: criteria provided, multiple submitters, no conflicts (2 of 4 stars). 4 submissions from 4 submitters: Benign (2); Likely benign (2). Last evaluated 2025-10-22.

Conditions:
VCAN-related disorder. Also called: VCAN-related condition.
Vitreoretinopathy. Also called: Vitreoretinal degeneration. Identifiers: MedGen C0344290, MONDO:0020248, HP:0007773.

Allele frequency attached by ClinVar (database versions not stated): gnomAD 0.00009 and 0.00013; TOPMed 0.00010; gnomAD exomes 0.00014 and 0.00023; ESP Exome Variant Server 0.00015; ExAC 0.00025.
gnomAD v4.1: 241 of 1,613,972 alleles (0.015%); highest among the groups gnomAD compares: Middle Eastern, 0.12%; 2 homozygotes.

Submissions (4):

Labcorp Genetics (formerly Invitae), Labcorp
Classification: Benign. Last evaluated: 2025-10-22. Review status: criteria provided, single submitter. Criteria: Invitae Variant Classification Sherloc (09022015). Collection method: clinical testing. Allele origin: germline.

PreventionGenetics, part of Exact Sciences
Classification: Likely benign for VCAN-related condition. Last evaluated: 2025-05-06. Review status: criteria provided, single submitter. Criteria: ACMG Guidelines, 2015. Collection method: clinical testing. Allele origin: germline.
Comment: This variant is classified as likely benign based on ACMG/AMP sequence variant interpretation guidelines (Richards et al. 2015 PMID: 25741868, with internal and published modifications).

Blueprint Genetics
Classification: Likely benign. Last evaluated: 2024-09-03. Review status: criteria provided, single submitter. Criteria: ACMG Guidelines, 2015. Collection method: clinical testing. Allele origin: germline.

Illumina Laboratory Services, Illumina
Classification: Benign for Vitreoretinopathy. Last evaluated: 2018-01-13. Review status: criteria provided, single submitter. Criteria: ICSL Variant Classification Criteria 13 December 2019. Collection method: clinical testing. Allele origin: germline.
Comment: This variant was observed in the ICSL laboratory as part of a predisposition screen in an ostensibly healthy population. It had not been previously curated by ICSL or reported in the Human Gene Mutation Database (HGMD: prior to June 1st, 2018), and was therefore a candidate for classification through an automated scoring system. Utilizing variant allele frequency, disease prevalence and penetrance estimates, and inheritance mode, an automated score was calculated to assess if this variant is too frequent to cause the disease. Based on the score and internal cut-off values, a variant classified as benign is not then subjected to further curation. The score for this variant resulted in a classification of benign for this disease.

NM_004385.5(VCAN):c.5526C>T (p.Ala1842=)

Genes: VCAN (versican; plus strand), VCAN-AS1 (VCAN antisense RNA 1; minus strand). Cytogenetic location: 5q14.3.
Variant type: single nucleotide variant.
Coding change: c.5526C>T on transcript NM_004385.5 (MANE Select); coding-DNA position 5526, C replaced by T.
Protein change: p.Ala1842=; no amino-acid change (alanine 1842 retained).
Molecular consequence: synonymous variant. On other transcripts: intron variant (2).
Genome position (GRCh38, 1-based): chr5:83,538,529, C>T. VCF-style: chr5-83538529-C-T. GRCh37 (hg19) VCF-style: chr5-82834348-C-T.
Other names: c.2565C>T, p.Ala855= (NM_001164097.2); c.4004-7008C>T (NM_001164098.2); c.1043-7008C>T (NM_001126336.3).
Identifiers: ClinVar variation 354428 (VCV000354428.16), dbSNP rs150593011, ClinGen allele CA3333339.